The following is an entry in ClinVar:

NM_001114753.3(ENG):c.1183G>T (p.Glu395Ter)

Genes: ENG (endoglin; minus strand), LOC102723566 (uncharacterized LOC102723566; plus strand). Cytogenetic location: 9q34.11.
Variant type: single nucleotide variant.
Coding change: c.1183G>T on transcript NM_001114753.3 (MANE Select); coding-DNA position 1183, G replaced by T.
Protein change: p.Glu395Ter; replaces glutamic acid 395 with a stop codon.
Molecular consequence: nonsense.
Genome position (GRCh38, 1-based): chr9:127,819,989, C>A on the plus strand (G>T on the coding strand, the complement: ENG is on the minus strand). VCF-style: chr9-127819989-C-A. GRCh37 (hg19) VCF-style: chr9-130582268-C-A.
Other names: c.1183G>T, p.Glu395Ter (NM_000118.4); c.637G>T, p.Glu213Ter (NM_001278138.2); short protein forms E213*, E395*.
Identifiers: ClinVar variation 982493 (VCV000982493.3), dbSNP rs1830434079, ClinGen allele CA374978629.

ClinVar aggregate classification (germline): Pathogenic (1 of 4 stars; one submission).

Conditions:
Telangiectasia, hereditary hemorrhagic, type 1 (HHT1). Also called: Osler Weber Rendu syndrome type 1; ENG-Related Hereditary Hemorrhagic Telangiectasia. Identifiers: Orphanet 774, MedGen C4551861, MONDO:0008535, OMIM 187300. Disease mechanism: loss of function.

Submission:

NIHR Bioresource Rare Diseases, University of Cambridge
Classification: Pathogenic for Telangiectasia, hereditary hemorrhagic, type 1. Last evaluated: 2018-01-01. Review status: criteria provided, single submitter. Criteria: ACMG Guidelines, 2015. Collection method: research. Allele origin: unknown. Affected: yes. Observed: 2 variant alleles.
Comment: PVS1+PM2+PP4

Literature cited by the submitters: PubMed 32573726.